The following is an entry in ClinVar:

NM_000135.4(FANCA):c.2222+1G>T

Gene: FANCA (FA complementation group A; minus strand). Cytogenetic location: 16q24.3.
Variant type: single nucleotide variant.
Coding change: c.2222+1G>T on transcript NM_000135.4 (MANE Select); the canonical splice donor site of the intron after coding-DNA position 2222, G replaced by T.
Molecular consequence: splice donor variant.
Genome position (GRCh38, 1-based): chr16:89,770,563, C>A on the plus strand (G>T on the coding strand, the complement: FANCA is on the minus strand). VCF-style: chr16-89770563-C-A. GRCh37 (hg19) VCF-style: chr16-89836971-C-A.
Other names: c.2222+1G>T (NM_001286167.3, NM_000135.3).
Identifiers: ClinVar variation 1478572 (VCV001478572.13), dbSNP rs775388912, ClinGen allele CA8251841.

ClinVar aggregate classification (germline): Pathogenic/Likely pathogenic. Review status: criteria provided, multiple submitters, no conflicts (2 of 4 stars). 5 submissions from 5 submitters: Pathogenic (4); Likely pathogenic (1). Last evaluated 2026-01-01.

Conditions:
Fanconi anemia (FA). Also called: Fanconi's anemia. Identifiers: Orphanet 84, MedGen C0015625, MeSH D005199, MONDO:0019391.
Fanconi anemia complementation group A (FANCA). Also called: FANCA-Related Fanconi Anemia; Fanconi anemia, group A. Identifiers: Orphanet 84, MedGen C3469521, MONDO:0009215, OMIM 227650.

Allele frequency attached by ClinVar (database versions not stated): TOPMed 0.00001; ExAC 0.00002.
gnomAD v4.1: 1 of 1,607,684 alleles (0.000062%); highest among the groups gnomAD compares: Non-Finnish European, 0.000085%; no homozygotes.

Submissions (5):

CeGaT Center for Human Genetics Tuebingen
Classification: Pathogenic. Last evaluated: 2026-01-01. Review status: criteria provided, single submitter. Criteria: CeGaT Center For Human Genetics Tuebingen Variant Classification Criteria Version 2. Collection method: clinical testing. Allele origin: germline. Affected: yes. Observed: 1 variant allele.
Comment: FANCA: PVS1, PM2, PM3:Supporting

Myriad Genetics, Inc.
Classification: Pathogenic for Fanconi anemia complementation group A. Last evaluated: 2025-07-31. Review status: criteria provided, single submitter. Criteria: Myriad Autosomal Dominant, Autosomal Recessive and X-Linked Classification Criteria (2023). Collection method: clinical testing. Allele origin: unknown.
Comment: NM_000135.2(FANCA):c.2222+1G>T is a variant in a canonical splice site classified as pathogenic in the context of Fanconi anemia complementation group A. c.2222+1G>T has been observed in cases with relevant disease (PMID: 19464302, 36167633). Relevant functional assessments of this variant are not available in the literature. c.2222+1G>T has not been observed in referenced population frequency databases. In summary, NM_000135.2(FANCA):c.2222+1G>T is a variant in a canonical splice site in a gene where loss of function is a known mechanism of disease, is predicted to disrupt protein function, and has been observed more frequently in cases with the relevant disease than in healthy populations. Please note: this variant was assessed in the context of healthy population screening.

Natera, Inc.
Classification: Pathogenic for Fanconi anemia. Last evaluated: 2025-05-14. Review status: criteria provided, single submitter. Criteria: Natera Variant Classification Schema (03/2026). Collection method: clinical testing. Allele origin: germline.
Comment: The c.2222+1G>T variant in FANCA is a canonical splice donor site variant predicted to affect pre-mRNA splicing, which may result in an abnormal transcript and altered protein product. This variant is expected to result in nonsense mediated decay, truncation, or a dysfunctional protein product. This variant is rare in the general population with a frequency below the threshold expected for the associated phenotype(s). This variant has been observed in one or more individuals affected with the associated recessive disease, as either homozygous or compound heterozygous with a second variant (PMID: 36463940, 33482836). Given the available evidence, this variant is classified as Pathogenic.

Baylor Genetics
Classification: Pathogenic for Fanconi anemia complementation group A. Last evaluated: 2023-09-05. Review status: criteria provided, single submitter. Criteria: ACMG Guidelines, 2015. Collection method: clinical testing. Allele origin: unknown.

Labcorp Genetics (formerly Invitae), Labcorp
Classification: Likely pathogenic for Fanconi anemia. Last evaluated: 2021-09-01. Review status: criteria provided, single submitter. Criteria: Invitae Variant Classification Sherloc (09022015). Collection method: clinical testing. Allele origin: germline.
Comment: This sequence change affects a donor splice site in intron 24 of the FANCA gene. It is expected to disrupt RNA splicing. Variants that disrupt the donor or acceptor splice site typically lead to a loss of protein function (PMID: 16199547), and loss-of-function variants in FANCA are known to be pathogenic (PMID: 19367192). The frequency data for this variant in the population databases is considered unreliable, as metrics indicate poor data quality at this position in the ExAC database. Disruption of this splice site has been observed in individual(s) with FANCA-related conditions (PMID: 26689913). Algorithms developed to predict the effect of sequence changes on RNA splicing suggest that this variant may disrupt the consensus splice site. In summary, the currently available evidence indicates that the variant is pathogenic, but additional data are needed to prove that conclusively. Therefore, this variant has been classified as Likely Pathogenic.

Literature cited by the submitters: PubMed 19464302 (cited by Myriad Genetics, Inc.); PubMed 36167633 (cited by Myriad Genetics, Inc.); PubMed 36463940 (cited by Natera, Inc.); PubMed 33482836 (cited by Natera, Inc.); PubMed 16199547 (cited by Labcorp Genetics (formerly Invitae), Labcorp); PubMed 19367192 (cited by Labcorp Genetics (formerly Invitae), Labcorp); PubMed 26689913 (cited by Labcorp Genetics (formerly Invitae), Labcorp).